The following is an entry in ClinVar:

NM_000388.4(CASR):c.701A>T (p.Asp234Val)

Gene: CASR (calcium sensing receptor; plus strand). Cytogenetic location: 3q21.1.
Variant type: single nucleotide variant.
Coding change: c.701A>T on transcript NM_000388.4 (MANE Select); coding-DNA position 701, A replaced by T.
Protein change: p.Asp234Val; replaces aspartic acid 234 with valine.
Molecular consequence: missense variant.
Genome position (GRCh38, 1-based): chr3:122,261,736, A>T. VCF-style: chr3-122261736-A-T. GRCh37 (hg19) VCF-style: chr3-121980583-A-T.
Other names: c.701A>T, p.Asp234Val (NM_001178065.2); short protein forms D234V.
Identifiers: ClinVar variation 2451464 (VCV002451464.2), dbSNP rs2074625529, ClinGen allele CA354151164.

ClinVar aggregate classification (germline): Uncertain significance (1 of 4 stars; one submission).

Conditions:
Nephrolithiasis/nephrocalcinosis. Identifiers: MedGen CN580796.

Allele frequency attached by ClinVar (database versions not stated): TOPMed below 0.00001; gnomAD 0.00001.
gnomAD v4.1: 1 of 1,614,102 alleles (0.000062%); highest among the groups gnomAD compares: Non-Finnish European, 0.000085%; no homozygotes.

Submission:

Ambry Genetics
Classification: Uncertain significance for Nephrolithiasis/nephrocalcinosis. Last evaluated: 2023-01-18. Review status: criteria provided, single submitter. Criteria: Ambry Variant Classification Scheme 2023. Collection method: clinical testing. Allele origin: germline.
Comment: The p.D234V variant (also known as c.701A>T), located in coding exon 3 of the CASR gene, results from an A to T substitution at nucleotide position 701. The aspartic acid at codon 234 is replaced by valine, an amino acid with highly dissimilar properties. This amino acid position is conserved. In addition, this alteration is predicted to be deleterious by in silico analysis. Since supporting evidence is limited at this time, the clinical significance of this alteration remains unclear.